The following is an entry in ClinVar:

ClinVar aggregate classification (germline): Uncertain significance (0 of 4 stars; one submission).

Conditions:
ANXA11-related disorder. Also called: ANXA11-related condition.

gnomAD v4.1: 17 of 1,575,318 alleles (0.0011%); highest among the groups gnomAD compares: Non-Finnish European, 0.0012%; no homozygotes.

Submission:

PreventionGenetics, part of Exact Sciences
Classification: Uncertain significance for ANXA11-related condition. Last evaluated: 2024-05-21. Review status: no assertion criteria provided. Collection method: clinical testing. Allele origin: germline.
Comment: The ANXA11 c.1007G>A variant is predicted to result in the amino acid substitution p.Arg336Gln. To our knowledge, this variant has not been reported in the literature. This variant is reported in 0.0040% of alleles in individuals of South Asian descent in gnomAD. At this time, the clinical significance of this variant is uncertain due to the absence of conclusive functional and genetic evidence.

NM_145868.2(ANXA11):c.1007G>A (p.Arg336Gln)

Gene: ANXA11 (annexin A11; minus strand). Cytogenetic location: 10q22.3.
Variant type: single nucleotide variant.
Coding change: c.1007G>A on transcript NM_145868.2 (MANE Select); coding-DNA position 1007, G replaced by A.
Protein change: p.Arg336Gln; replaces arginine 336 with glutamine.
Molecular consequence: missense variant.
Genome position (GRCh38, 1-based): chr10:80,163,556, C>T on the plus strand (G>A on the coding strand, the complement: ANXA11 is on the minus strand). VCF-style: chr10-80163556-C-T. GRCh37 (hg19) VCF-style: chr10-81923312-C-T.
Other names: c.1007G>A, p.Arg336Gln (NM_001157.3, NM_001278407.2, NM_001278408.2 and 1 more transcripts); c.908G>A, p.Arg303Gln (NM_001278409.2); short protein forms R303Q, R336Q.
Identifiers: ClinVar variation 3354434 (VCV003354434.1).
Genomic context (GRCh38, chr10:80,163,556, plus strand): 5'-TGGCTTGGGGGCCCCGAGCCCTGTCGTGGGAAAAGTACCTGAGAGAGAGAGATGAGGAGC[C>T]GCTGGAAGTGCCCTGATGTGTCGCTTCGAATGGCCTCTTCCAGGGTCTTTTTGAATTCTG-3'
Protein context (NP_665875.1, residues 326-346): IRSDTSGHFQ[Arg336Gln]LLISLSQGNR